The following is an entry in ClinVar:

NM_001718.6(BMP6):c.1029C>T (p.Ala343=)

Gene: BMP6 (bone morphogenetic protein 6; plus strand). Cytogenetic location: 6p24.3.
Variant type: single nucleotide variant.
Coding change: c.1029C>T on transcript NM_001718.6 (MANE Select); coding-DNA position 1029, C replaced by T.
Protein change: p.Ala343=; no amino-acid change (alanine 343 retained).
Molecular consequence: synonymous variant.
Genome position (GRCh38, 1-based): chr6:7,862,323, C>T. VCF-style: chr6-7862323-C-T. GRCh37 (hg19) VCF-style: chr6-7862556-C-T.
Identifiers: ClinVar variation 3037229 (VCV003037229.2), dbSNP rs61733611, ClinGen allele CA3628814.

ClinVar aggregate classification (germline): Benign (0 of 4 stars; one submission).

Conditions:
BMP6-related disorder. Also called: BMP6-related condition.

Allele frequency attached by ClinVar (database versions not stated): 1000 Genomes Project 0.01837; 1000 Genomes Project 30x 0.01889; TOPMed 0.02684; gnomAD 0.02883; ESP Exome Variant Server 0.03129; ExAC 0.03269; gnomAD exomes 0.03599.
gnomAD v4.1: 56,975 of 1,614,150 alleles (3.5%); highest among the groups gnomAD compares: Middle Eastern, 6.3%; 1,176 homozygotes.

Submission:

PreventionGenetics, part of Exact Sciences
Classification: Benign for BMP6-related condition. Last evaluated: 2024-02-28. Review status: no assertion criteria provided. Collection method: clinical testing. Allele origin: germline.
Comment: This variant is classified as benign based on ACMG/AMP sequence variant interpretation guidelines (Richards et al. 2015 PMID: 25741868, with internal and published modifications).